The following is an entry in ClinVar:

NM_000393.5(COL5A2):c.3926-3T>C

Gene: COL5A2 (collagen type V alpha 2 chain; minus strand). Cytogenetic location: 2q32.2.
Variant type: single nucleotide variant.
Coding change: c.3926-3T>C on transcript NM_000393.5 (MANE Select); 3 bases into the intron before coding-DNA position 3926, T replaced by C.
Molecular consequence: intron variant.
Genome position (GRCh38, 1-based): chr2:189,036,806, A>G on the plus strand (T>C on the coding strand, the complement: COL5A2 is on the minus strand). VCF-style: chr2-189036806-A-G. GRCh37 (hg19) VCF-style: chr2-189901532-A-G.
Identifiers: ClinVar variation 1368683 (VCV001368683.6), dbSNP rs1685452266, ClinGen allele CA1315410592.

ClinVar aggregate classification (germline): Uncertain significance (1 of 4 stars; one submission).

Conditions:
Ehlers-Danlos syndrome, classic type, 1 (EDSCL1). Also called: EHLERS-DANLOS SYNDROME, GRAVIS TYPE; EHLERS-DANLOS SYNDROME, SEVERE CLASSIC TYPE; Ehlers-Danlos syndrome, type 1; EDS I; Ehlers-Danlos Syndrome, Classic Type, COL5A1-Related. Identifiers: MedGen C0268335, MONDO:0019567, OMIM 130000.

Allele frequency attached by ClinVar (database versions not stated): gnomAD 0.00001.

Submission:

Labcorp Genetics (formerly Invitae), Labcorp
Classification: Uncertain significance for Ehlers-Danlos syndrome, classic type, 1. Last evaluated: 2022-12-23. Review status: criteria provided, single submitter. Criteria: Invitae Variant Classification Sherloc (09022015). Collection method: clinical testing. Allele origin: germline.
Comment: This variant has not been reported in the literature in individuals affected with COL5A2-related conditions. This variant is not present in population databases (gnomAD no frequency). This sequence change falls in intron 51 of the COL5A2 gene. It does not directly change the encoded amino acid sequence of the COL5A2 protein. It affects a nucleotide within the consensus splice site. ClinVar contains an entry for this variant (Variation ID: 1368683). In summary, the available evidence is currently insufficient to determine the role of this variant in disease. Therefore, it has been classified as a Variant of Uncertain Significance. Variants that disrupt the consensus splice site are a relatively common cause of aberrant splicing (PMID: 17576681, 9536098). Algorithms developed to predict the effect of sequence changes on RNA splicing suggest that this variant is not likely to affect RNA splicing.

Literature cited by the submitters: PubMed 17576681; PubMed 9536098.